The following is an entry in ClinVar:

NM_005902.4(SMAD3):c.164T>A (p.Ile55Asn)

Gene: SMAD3 (SMAD family member 3; plus strand). Cytogenetic location: 15q22.33.
Variant type: single nucleotide variant.
Coding change: c.164T>A on transcript NM_005902.4 (MANE Select); coding-DNA position 164, T replaced by A.
Protein change: p.Ile55Asn; replaces isoleucine 55 with asparagine.
Molecular consequence: missense variant.
Genome position (GRCh38, 1-based): chr15:67,066,318, T>A. VCF-style: chr15-67066318-T-A. GRCh37 (hg19) VCF-style: chr15-67358656-T-A.
Other names: c.164T>A, p.Ile55Asn (NM_001407011.1, NM_001407012.1, NM_001407013.1); short protein forms I55N.
Identifiers: ClinVar variation 4170024 (VCV004170024.1).

ClinVar aggregate classification (germline): Uncertain significance (1 of 4 stars; one submission).

Conditions:
Familial thoracic aortic aneurysm and aortic dissection (TAAD). Also called: Thoracic aortic aneurysms and dissections. Identifiers: Orphanet 91387, MedGen C4707243, MONDO:0019625.

gnomAD v4.1: 2 of 1,613,122 alleles (0.00012%); highest among the groups gnomAD compares: Admixed American, 0.0033%; no homozygotes.

Submission:

Ambry Genetics
Classification: Uncertain significance for Familial thoracic aortic aneurysm and aortic dissection. Last evaluated: 2025-08-20. Review status: criteria provided, single submitter. Criteria: Ambry Variant Classification Scheme 2023. Collection method: clinical testing. Allele origin: germline.
Comment: The p.I55N variant (also known as c.164T>A), located in coding exon 1 of the SMAD3 gene, results from a T to A substitution at nucleotide position 164. The isoleucine at codon 55 is replaced by asparagine, an amino acid with dissimilar properties. This amino acid position is conserved. In addition, the in silico prediction for this alteration is inconclusive. Based on the available evidence, the clinical significance of this variant remains unclear.